The following is an entry in ClinVar:

ClinVar aggregate classification (germline): Likely benign. Review status: criteria provided, multiple submitters, no conflicts (2 of 4 stars). 3 submissions from 3 submitters: Likely benign (3). Last evaluated 2026-03-01.

Conditions:
Inborn genetic diseases. Identifiers: MedGen C0950123, MeSH D030342.

Allele frequency attached by ClinVar (database versions not stated): TOPMed 0.00014; gnomAD exomes 0.00016; ExAC 0.00017; gnomAD 0.00028; ESP Exome Variant Server 0.00033.
gnomAD v4.1: 279 of 1,614,068 alleles (0.017%); highest among the groups gnomAD compares: Non-Finnish European, 0.022%; 1 homozygote.

Submissions (3):

CeGaT Center for Human Genetics Tuebingen
Classification: Likely benign. Last evaluated: 2026-03-01. Review status: criteria provided, single submitter. Criteria: CeGaT Center For Human Genetics Tuebingen Variant Classification Criteria Version 2. Collection method: clinical testing. Allele origin: germline. Affected: yes. Observed: 2 variant alleles.
Comment: BAZ2B: BP4

Laboratory of Genetics, Children's Clinical University Hospital Latvia
Classification: Likely benign. Last evaluated: 2025-02-16. Review status: criteria provided, single submitter. Criteria: ACMG Guidelines, 2015. Collection method: clinical testing. Allele origin: germline. Affected: yes.

Ambry Genetics
Classification: Likely benign for Inborn genetic diseases. Last evaluated: 2023-09-29. Review status: criteria provided, single submitter. Criteria: Ambry Variant Classification Scheme 2023. Collection method: clinical testing. Allele origin: germline.

NM_013450.4(BAZ2B):c.1769A>C (p.Gln590Pro)

Gene: BAZ2B (bromodomain adjacent to zinc finger domain 2B; minus strand). Cytogenetic location: 2q24.2.
Variant type: single nucleotide variant.
Coding change: c.1769A>C on transcript NM_013450.4 (MANE Select); coding-DNA position 1769, A replaced by C.
Protein change: p.Gln590Pro; replaces glutamine 590 with proline.
Molecular consequence: missense variant.
Genome position (GRCh38, 1-based): chr2:159,432,888, T>G on the plus strand (A>C on the coding strand, the complement: BAZ2B is on the minus strand). VCF-style: chr2-159432888-T-G. GRCh37 (hg19) VCF-style: chr2-160289399-T-G.
Other names: c.1763A>C, p.Gln588Pro (NM_001289975.1); c.1580A>C, p.Gln527Pro (NM_001329857.2); c.1769A>C, p.Gln590Pro (NM_001329858.2); short protein forms Q527P, Q588P, Q590P.
Identifiers: ClinVar variation 3133089 (VCV003133089.15), dbSNP rs201790774, ClinGen allele CA1924853.
Genomic context (GRCh38, chr2:159,432,888, plus strand): 5'-TCCTCATTTGAATCTTCAGAATCTTTACTACTGGGAATGTCTGAATCTGTTCCTCTGAAT[T>G]GTTCCACTAAAGATTTTGCAGGATGGGAGTGATGCTGTGTTTTTACTGGGTTTACATTAT-3'
Protein context (NP_038478.2, residues 580-600): HSHPAKSLVE[Gln590Pro]FRGTDSDIPS